The following is an entry in ClinVar:

ClinVar aggregate classification (germline): Uncertain significance. Review status: criteria provided, multiple submitters, no conflicts (2 of 4 stars). 2 submissions from 2 submitters: Uncertain significance (2). Last evaluated 2023-08-20.

Conditions:
Severe combined immunodeficiency due to IKK2 deficiency. Also called: Immunodeficiency 15; IMMUNODEFICIENCY 15B. Identifiers: Orphanet 397787, MedGen C4747743, MONDO:0014267, OMIM 615592.
Inborn genetic diseases. Identifiers: MedGen C0950123, MeSH D030342.

Allele frequency attached by ClinVar (database versions not stated): TOPMed 0.00001; gnomAD exomes 0.00002.
gnomAD v4.1: 38 of 1,602,954 alleles (0.0024%); highest among the groups gnomAD compares: Admixed American, 0.0052%; no homozygotes.

Submissions (2):

Ambry Genetics
Classification: Uncertain significance for Inborn genetic diseases. Last evaluated: 2023-08-20. Review status: criteria provided, single submitter. Criteria: Ambry Variant Classification Scheme 2023. Collection method: clinical testing. Allele origin: germline.

Labcorp Genetics (formerly Invitae), Labcorp
Classification: Uncertain significance for Severe combined immunodeficiency due to IKK2 deficiency. Last evaluated: 2022-03-28. Review status: criteria provided, single submitter. Criteria: Invitae Variant Classification Sherloc (09022015). Collection method: clinical testing. Allele origin: germline.
Comment: This sequence change replaces alanine, which is neutral and non-polar, with threonine, which is neutral and polar, at codon 454 of the IKBKB protein (p.Ala454Thr). This variant is present in population databases (no rsID available, gnomAD 0.004%). This variant has not been reported in the literature in individuals affected with IKBKB-related conditions. ClinVar contains an entry for this variant (Variation ID: 934210). Advanced modeling of protein sequence and biophysical properties (such as structural, functional, and spatial information, amino acid conservation, physicochemical variation, residue mobility, and thermodynamic stability) performed at Invitae indicates that this missense variant is not expected to disrupt IKBKB protein function. In summary, the available evidence is currently insufficient to determine the role of this variant in disease. Therefore, it has been classified as a Variant of Uncertain Significance.

NM_001556.3(IKBKB):c.1360G>A (p.Ala454Thr)

Gene: IKBKB (inhibitor of nuclear factor kappa B kinase subunit beta; plus strand). Cytogenetic location: 8p11.21.
Variant type: single nucleotide variant.
Coding change: c.1360G>A on transcript NM_001556.3 (MANE Select); coding-DNA position 1360, G replaced by A.
Protein change: p.Ala454Thr; replaces alanine 454 with threonine.
Molecular consequence: missense variant. On other transcripts: non-coding transcript variant (3).
Genome position (GRCh38, 1-based): chr8:42,318,671, G>A. VCF-style: chr8-42318671-G-A. GRCh37 (hg19) VCF-style: chr8-42176189-G-A.
Other names: c.1168G>A, p.Ala390Thr (NM_001190720.3); c.1183G>A, p.Ala395Thr (NM_001242778.2); short protein forms A390T, A395T, A454T.
Identifiers: ClinVar variation 934210 (VCV000934210.6), dbSNP rs1286940689, ClinGen allele CA371088682.